The following is an entry in ClinVar:

ClinVar aggregate classification (germline): Uncertain significance. Review status: criteria provided, multiple submitters, no conflicts (2 of 4 stars). 2 submissions from 2 submitters: Uncertain significance (2). Last evaluated 2025-03-11.

Conditions:
Neurofibromatosis, type 1 (NF1). Also called: NEUROFIBROMATOSIS, TYPE I, SOMATIC; VON RECKLINGHAUSEN DISEASE; Neurofibromatosis, type I; Peripheral type neurofibromatosis. Identifiers: Orphanet 636, MedGen C0027831, MONDO:0018975, OMIM 162200. Disease mechanism: loss of function.

Submissions (2):

Labcorp Genetics (formerly Invitae), Labcorp
Classification: Uncertain significance for Neurofibromatosis, type 1. Last evaluated: 2025-03-11. Review status: criteria provided, single submitter. Criteria: Invitae Variant Classification Sherloc (09022015). Collection method: clinical testing. Allele origin: germline.
Comment: This sequence change replaces glutamine, which is neutral and polar, with arginine, which is basic and polar, at codon 543 of the NF1 protein (p.Gln543Arg). This variant is not present in population databases (gnomAD no frequency). This variant has not been reported in the literature in individuals affected with NF1-related conditions. ClinVar contains an entry for this variant (Variation ID: 3067837). Invitae Evidence Modeling of protein sequence and biophysical properties (such as structural, functional, and spatial information, amino acid conservation, physicochemical variation, residue mobility, and thermodynamic stability) indicates that this missense variant is expected to disrupt NF1 protein function with a positive predictive value of 95%. In summary, the available evidence is currently insufficient to determine the role of this variant in disease. Therefore, it has been classified as a Variant of Uncertain Significance.

Genomic Medicine Center of Excellence, King Faisal Specialist Hospital and Research Centre
Classification: Uncertain significance for Neurofibromatosis, type 1. Last evaluated: 2024-04-04. Review status: criteria provided, single submitter. Criteria: ACMG Guidelines, 2015. Collection method: clinical testing. Allele origin: germline.

NM_001042492.3(NF1):c.1628A>G (p.Gln543Arg)

Gene: NF1 (neurofibromin 1; plus strand). Cytogenetic location: 17q11.2.
Variant type: single nucleotide variant.
Coding change: c.1628A>G on transcript NM_001042492.3 (MANE Select); coding-DNA position 1628, A replaced by G.
Protein change: p.Gln543Arg; replaces glutamine 543 with arginine.
Molecular consequence: missense variant.
Genome position (GRCh38, 1-based): chr17:31,219,105, A>G. VCF-style: chr17-31219105-A-G. GRCh37 (hg19) VCF-style: chr17-29546123-A-G.
Other names: c.1628A>G, p.Gln543Arg (NM_000267.4, NM_001128147.3); short protein forms Q543R.
Identifiers: ClinVar variation 3067837 (VCV003067837.2), dbSNP rs2143987248, ClinGen allele CA399002108.
Genomic context (GRCh38, chr17:31,219,105, plus strand): 5'-CAGAATTAATTACAGGGCTCGTCCAACTGGTCCCTCAGTCACACATGCCAGAGATTGCTC[A>G]GGAAGCAATGGAGGTAAGGGGAAAATGAATTCCATGTTCTTGAAGGAAAGATTGTAACTA-3'
Protein context (NP_001035957.1, residues 533-553): VPQSHMPEIA[Gln543Arg]EAMEALLVLH